The following is an entry in ClinVar:

ClinVar aggregate classification (germline): Uncertain significance (1 of 4 stars; one submission).

Conditions:
Neuroblastoma, susceptibility to, 3. Also called: ALK-Related Neuroblastic Tumor Susceptibility. Identifiers: Orphanet 635, MedGen C2751681, MONDO:0013083, OMIM 613014.

Submission:

Labcorp Genetics (formerly Invitae), Labcorp
Classification: Uncertain significance for Neuroblastoma, susceptibility to, 3. Last evaluated: 2022-04-29. Review status: criteria provided, single submitter. Criteria: Invitae Variant Classification Sherloc (09022015). Collection method: clinical testing. Allele origin: germline.
Comment: This variant has not been reported in the literature in individuals affected with ALK-related conditions. This sequence change replaces lysine, which is basic and polar, with methionine, which is neutral and non-polar, at codon 1498 of the ALK protein (p.Lys1498Met). This variant is not present in population databases (gnomAD no frequency). Algorithms developed to predict the effect of missense changes on protein structure and function are either unavailable or do not agree on the potential impact of this missense change (SIFT: "Deleterious"; PolyPhen-2: "Probably Damaging"; Align-GVGD: "Class C0"). In summary, the available evidence is currently insufficient to determine the role of this variant in disease. Therefore, it has been classified as a Variant of Uncertain Significance.

NM_004304.5(ALK):c.4493A>T (p.Lys1498Met)

Gene: ALK (ALK receptor tyrosine kinase; minus strand). Cytogenetic location: 2p23.2.
Variant type: single nucleotide variant.
Coding change: c.4493A>T on transcript NM_004304.5 (MANE Select); coding-DNA position 4493, A replaced by T.
Protein change: p.Lys1498Met; replaces lysine 1498 with methionine.
Molecular consequence: missense variant.
Genome position (GRCh38, 1-based): chr2:29,193,594, T>A on the plus strand (A>T on the coding strand, the complement: ALK is on the minus strand). VCF-style: chr2-29193594-T-A. GRCh37 (hg19) VCF-style: chr2-29416460-T-A.
Other names: c.1289A>T, p.Lys430Met (NM_001353765.2); short protein forms K1498M, K430M.
Identifiers: ClinVar variation 2131921 (VCV002131921.4), dbSNP rs1475116674, ClinGen allele CA346461244.